The following is an entry in ClinVar:

ClinVar aggregate classification (germline): Uncertain significance. Review status: criteria provided, multiple submitters, no conflicts (2 of 4 stars). 5 submissions from 5 submitters: Uncertain significance (5). Last evaluated 2026-06-23.

Conditions:
ALPK3-related disorder. Also called: ALPK3-related condition.
Cardiomyopathy, familial hypertrophic 27. Identifiers: MedGen C4748014, MONDO:0054838, OMIM 618052.
Cardiovascular phenotype. Identifiers: MedGen CN230736.

Allele frequency attached by ClinVar (database versions not stated): gnomAD 0.00001; TOPMed 0.00002; ExAC 0.00005; gnomAD exomes 0.00008.
gnomAD v4.1: 113 of 1,613,986 alleles (0.007%); highest among the groups gnomAD compares: Middle Eastern, 0.016%; no homozygotes.

Submissions (5):

PreventionGenetics, part of Exact Sciences
Classification: Uncertain significance for ALPK3-related condition. Last evaluated: 2026-06-23. Review status: criteria provided, single submitter. Criteria: ACMG Guidelines, 2015. Collection method: clinical testing. Allele origin: germline.
Comment: The ALPK3 c.5131C>T variant is predicted to result in the amino acid substitution p.Arg1711Trp. To our knowledge, this variant has not been reported in the literature. This variant is reported in 0.0088% of alleles in individuals of European (Non-Finnish) descent in gnomAD. At this time, the clinical significance of this variant is uncertain due to the absence of conclusive functional and genetic evidence.

Labcorp Genetics (formerly Invitae), Labcorp
Classification: Uncertain significance. Last evaluated: 2025-03-30. Review status: criteria provided, single submitter. Criteria: Invitae Variant Classification Sherloc (09022015). Collection method: clinical testing. Allele origin: germline.
Comment: This sequence change replaces arginine, which is basic and polar, with tryptophan, which is neutral and slightly polar, at codon 1711 of the ALPK3 protein (p.Arg1711Trp). This variant is present in population databases (rs776900526, gnomAD 0.008%). This variant has not been reported in the literature in individuals affected with ALPK3-related conditions. ClinVar contains an entry for this variant (Variation ID: 1745555). Invitae Evidence Modeling of protein sequence and biophysical properties (such as structural, functional, and spatial information, amino acid conservation, physicochemical variation, residue mobility, and thermodynamic stability) indicates that this missense variant is expected to disrupt ALPK3 protein function with a positive predictive value of 80%. In summary, the available evidence is currently insufficient to determine the role of this variant in disease. Therefore, it has been classified as a Variant of Uncertain Significance.

Ambry Genetics
Classification: Uncertain significance for Cardiovascular phenotype. Last evaluated: 2024-03-25. Review status: criteria provided, single submitter. Criteria: Ambry Variant Classification Scheme 2023. Collection method: clinical testing. Allele origin: germline.
Comment: The p.R1711W variant (also known as c.5131C>T), located in coding exon 12 of the ALPK3 gene, results from a C to T substitution at nucleotide position 5131. The arginine at codon 1711 is replaced by tryptophan, an amino acid with dissimilar properties. This amino acid position is highly conserved in available vertebrate species. In addition, this alteration is predicted to be tolerated by in silico analysis. Based on the available evidence, the clinical significance of this alteration remains unclear.

Baylor Genetics
Classification: Uncertain significance for Cardiomyopathy, familial hypertrophic 27. Last evaluated: 2022-11-03. Review status: criteria provided, single submitter. Criteria: ACMG Guidelines, 2015. Collection method: clinical testing. Allele origin: unknown.

Blueprint Genetics
Classification: Uncertain significance. Last evaluated: 2022-01-07. Review status: criteria provided, single submitter. Criteria: ACMG Guidelines, 2015. Collection method: clinical testing. Allele origin: germline.

NM_020778.5(ALPK3):c.4525C>T (p.Arg1509Trp)

Gene: ALPK3 (alpha kinase 3; plus strand). Cytogenetic location: 15q25.3.
Variant type: single nucleotide variant.
Coding change: c.4525C>T on transcript NM_020778.5 (MANE Select); coding-DNA position 4525, C replaced by T.
Protein change: p.Arg1509Trp; replaces arginine 1509 with tryptophan.
Molecular consequence: missense variant.
Genome position (GRCh38, 1-based): chr15:84,864,467, C>T. VCF-style: chr15-84864467-C-T. GRCh37 (hg19) VCF-style: chr15-85407698-C-T.
Other names: short protein forms R1509W.
Identifiers: ClinVar variation 1745555 (VCV001745555.11), dbSNP rs776900526, ClinGen allele CA7710017.